The following is an entry in ClinVar:

ClinVar aggregate classification (germline): Likely benign. Review status: no assertion criteria provided (0 of 4 stars). 2 submissions from 2 submitters: Likely benign (2). Last evaluated 2023-01-07.

Conditions:
Polycystic kidney disease. Also called: Polycystic kidney dysplasia; Kidney, Polycystic. Identifiers: MedGen C0022680, MeSH D007690, MONDO:0020642, HP:0000113.
PKD1-related disorder. Also called: PKD1-related condition.

Allele frequency attached by ClinVar (database versions not stated): TOPMed 0.00030; gnomAD exomes 0.00035; gnomAD 0.00039.

Submissions (2):

PreventionGenetics, part of Exact Sciences
Classification: Likely benign for PKD1-related condition. Last evaluated: 2023-01-07. Review status: no assertion criteria provided. Collection method: clinical testing. Allele origin: germline.
Comment: This variant is classified as likely benign based on ACMG/AMP sequence variant interpretation guidelines (Richards et al. 2015 PMID: 25741868, with internal and published modifications).

Department of Pathology and Laboratory Medicine, Sinai Health System
Classification: Likely benign for Polycystic Kidney disease. Review status: no assertion criteria provided. Collection method: clinical testing. Allele origin: unknown. Affected: yes. Study: The Canadian Open Genetics Repository (COGR).
Comment: The PKD1 c.-62C>T variant was not identified in the literature nor was it identified in the ClinVar, LOVD 3.0, ADPKD Mutation Database, or PKD1-LOVD databases. The variant was identified in dbSNP (ID: rs889397886) as â€šÃ„ÃºNAâ€šÃ„Ã¹. The variant was identified in control databases in 24 of 25230 chromosomes at a frequency of 0.001, increasing the likelihood this could be a low frequency benign variant (Genome Aggregation Database Feb 27, 2017). The variant was observed in the following populations: African in 1 of 8200 chromosomes (freq: 0.0001) and European (Non-Finnish) in 23 of 13596 chromosomes (freq: 0.002), while it was not observed in the Other, Latino, Ashkenazi Jewish, East Asian, European (Finnish), or South Asian populations. In addition, we cannot be certain that data from control databases is specific to PKD1 and not from one of the six PKD1 pseudogenes. In summary, based on the above information, the clinical significance of this variant cannot be determined with certainty at this time although we would lean towards a more benign role for this variant. This variant is classified as likely benign.

NM_001009944.3(PKD1):c.-62C>T

Gene: PKD1 (polycystin 1, transient receptor potential channel interacting; minus strand). Cytogenetic location: 16p13.3.
Variant type: single nucleotide variant.
Coding change: c.-62C>T on transcript NM_001009944.3 (MANE Select); 62 bases upstream of the start codon, C replaced by T.
Molecular consequence: 5 prime UTR variant.
Genome position (GRCh38, 1-based): chr16:2,135,751, G>A on the plus strand (C>T on the coding strand, the complement: PKD1 is on the minus strand). VCF-style: chr16-2135751-G-A. GRCh37 (hg19) VCF-style: chr16-2185752-G-A.
Other names: c.-62C>T (NM_001009944.2, NM_000296.4).
Identifiers: ClinVar variation 997348 (VCV000997348.3), dbSNP rs889397886, ClinGen allele CA276756669.